The following is an entry in ClinVar:

ClinVar aggregate classification (germline): Likely benign (0 of 4 stars; one submission).

Conditions:
ROS1-related disorder. Also called: ROS1-related condition.

Allele frequency attached by ClinVar (database versions not stated): TOPMed 0.00002; gnomAD 0.00010; gnomAD exomes 0.00014; ExAC 0.00041; 1000 Genomes Project 0.00100; 1000 Genomes Project 30x 0.00156.
gnomAD v4.1: 221 of 1,587,290 alleles (0.014%); highest among the groups gnomAD compares: South Asian, 0.23%; 2 homozygotes.

Submission:

PreventionGenetics, part of Exact Sciences
Classification: Likely benign for ROS1-related condition. Last evaluated: 2022-11-19. Review status: no assertion criteria provided. Collection method: clinical testing. Allele origin: germline.
Comment: This variant is classified as likely benign based on ACMG/AMP sequence variant interpretation guidelines (Richards et al. 2015 PMID: 25741868, with internal and published modifications).

NM_001378902.1(ROS1):c.1181T>C (p.Met394Thr)

Gene: ROS1 (ROS proto-oncogene 1, receptor tyrosine kinase; minus strand). Cytogenetic location: 6q22.1.
Variant type: single nucleotide variant.
Coding change: c.1181T>C on transcript NM_001378902.1 (MANE Select); coding-DNA position 1181, T replaced by C.
Protein change: p.Met394Thr; replaces methionine 394 with threonine.
Molecular consequence: missense variant.
Genome position (GRCh38, 1-based): chr6:117,394,172, A>G on the plus strand (T>C on the coding strand, the complement: ROS1 is on the minus strand). VCF-style: chr6-117394172-A-G. GRCh37 (hg19) VCF-style: chr6-117715335-A-G.
Other names: c.1181T>C, p.Met394Thr (NM_001378891.1); c.1154T>C, p.Met385Thr (NM_002944.3); short protein forms M385T, M394T.
Identifiers: ClinVar variation 3032799 (VCV003032799.2), dbSNP rs565037039, ClinGen allele CA3975649.